The following is an entry in ClinVar:

ClinVar aggregate classification (germline): Likely benign. Review status: criteria provided, multiple submitters, no conflicts (2 of 4 stars). 2 submissions from 2 submitters: Likely benign (2). Last evaluated 2023-11-20.

Conditions:
RYR1-related disorder. Also called: RYR1-related condition; RYR1-related disorders. Identifiers: MedGen CN239331.
Malignant hyperthermia, susceptibility to, 1 (MHS1). Also called: RYR1-Related Malignant Hyperthermia Susceptibility; Malignant hyperthermia suceptibility 1; Anesthesia related hyperthermia; Malignant hyperpyrexia; Fulminating hyperpyrexia; Pharmacogenic myopathy. Identifiers: Orphanet 423, MedGen C2930980, MONDO:0007783, OMIM 145600.

Allele frequency attached by ClinVar (database versions not stated): gnomAD exomes below 0.00001; TOPMed 0.00001.

Submissions (2):

All of Us Research Program, National Institutes of Health
Classification: Likely benign for Malignant hyperthermia, susceptibility to, 1. Last evaluated: 2023-11-20. Review status: criteria provided, single submitter. Criteria: ACMG Guidelines, 2015. Collection method: clinical testing. Allele origin: germline. Inheritance: Autosomal dominant inheritance. Observed: 1 variant allele, 1 heterozygote.
Comment: This study involves interpretation of variants in research participants for the purpose of population health screening. Participant phenotype was not available at the time of variant classification. Additional details can be found in publication PMID: 35346344, PMCID: PMC8962531

Labcorp Genetics (formerly Invitae), Labcorp
Classification: Likely benign for RYR1-related disorder. Last evaluated: 2023-10-22. Review status: criteria provided, single submitter. Criteria: Invitae Variant Classification Sherloc (09022015). Collection method: clinical testing. Allele origin: germline.

NM_000540.3(RYR1):c.7836-5C>T

Gene: RYR1 (ryanodine receptor 1; plus strand). Cytogenetic location: 19q13.2.
Variant type: single nucleotide variant.
Coding change: c.7836-5C>T on transcript NM_000540.3 (MANE Select); 5 bases into the intron before coding-DNA position 7836, C replaced by T.
Molecular consequence: intron variant.
Genome position (GRCh38, 1-based): chr19:38,502,875, C>T. VCF-style: chr19-38502875-C-T. GRCh37 (hg19) VCF-style: chr19-38993515-C-T.
Other names: c.7836-5C>T (NM_001042723.2).
Identifiers: ClinVar variation 1108026 (VCV001108026.10), dbSNP rs1301933255, ClinGen allele CA633066372.
Genomic context (GRCh38, chr19:38,502,875, plus strand): 5'-GCAGGGGCAGGGGCAGCAGAGCGGGCCTGGACGGGGGATTCTACATCTTGTGCATTGTCC[C>T]GCAGGTACATCCGCCCGTCGATGCTGCAGCACCTGTTGCGCCGCCTGGTGTTCGACGTGC-3'